The following is an entry in ClinVar:

ClinVar aggregate classification (germline): Likely benign (1 of 4 stars; one submission).

Conditions:
X-linked mixed hearing loss with perilymphatic gusher. Also called: NANCE DEAFNESS; PERILYMPHATIC GUSHER-DEAFNESS SYNDROME; SENSORINEURAL DEAFNESS, PROFOUND, WITH OR WITHOUT A CONDUCTIVE COMPONENT, ASSOCIATED WITH A UNIQUE DEVELOPMENTAL ABNORMALITY OF THE EAR; Deafness, X-linked 2; Gusher syndrome. Identifiers: Orphanet 383, MedGen C1844678, MONDO:0010576, OMIM 304400.

Allele frequency attached by ClinVar (database versions not stated): 1000 Genomes Project 0.00053; 1000 Genomes Project 30x 0.00062; TOPMed 0.00094; gnomAD 0.00106 and 0.00107; gnomAD exomes 0.00122.

Submission:

Illumina Laboratory Services, Illumina
Classification: Likely benign for X-linked mixed hearing loss with perilymphatic gusher. Last evaluated: 2017-04-27. Review status: criteria provided, single submitter. Criteria: ICSL Variant Classification Criteria 13 December 2019. Collection method: clinical testing. Allele origin: germline.
Comment: This variant was observed as part of a predisposition screen in an ostensibly healthy population. A literature search was performed for the gene, cDNA change, and amino acid change (where applicable). No publications were found based on this search. Allele frequency data from public databases allowed determination this variant is unlikely to cause disease. Therefore, this variant is classified as likely benign.

NM_000307.5(POU3F4):c.*105C>T

Gene: POU3F4 (POU class 3 homeobox 4; plus strand). Cytogenetic location: Xq21.1.
Variant type: single nucleotide variant.
Coding change: c.*105C>T on transcript NM_000307.5 (MANE Select); 105 bases downstream of the stop codon, C replaced by T.
Molecular consequence: 3 prime UTR variant.
Genome position (GRCh38, 1-based): chrX:83,509,515, C>T. VCF-style: chrX-83509515-C-T. GRCh37 (hg19) VCF-style: chrX-82764523-C-T.
Identifiers: ClinVar variation 368734 (VCV000368734.5), dbSNP rs777244703, ClinGen allele CA10654397.